The following is an entry in ClinVar:

NM_001042492.3(NF1):c.3820C>A (p.Leu1274Ile)

Gene: NF1 (neurofibromin 1; plus strand). Cytogenetic location: 17q11.2.
Variant type: single nucleotide variant.
Coding change: c.3820C>A on transcript NM_001042492.3 (MANE Select); coding-DNA position 3820, C replaced by A.
Protein change: p.Leu1274Ile; replaces leucine 1274 with isoleucine.
Molecular consequence: missense variant.
Genome position (GRCh38, 1-based): chr17:31,235,722, C>A. VCF-style: chr17-31235722-C-A. GRCh37 (hg19) VCF-style: chr17-29562740-C-A.
Other names: c.3820C>A, p.Leu1274Ile (NM_000267.4); short protein forms L1274I.
Identifiers: ClinVar variation 3404818 (VCV003404818.1).

ClinVar aggregate classification (germline): Uncertain significance (1 of 4 stars; one submission).

Conditions:
Hereditary cancer-predisposing syndrome. Also called: Hereditary Cancer Syndrome; Tumor predisposition; Hereditary neoplastic syndrome; Neoplastic Syndromes, Hereditary. Identifiers: Orphanet 140162, MedGen C0027672, MeSH D009386, MONDO:0015356.
Cardiovascular phenotype. Identifiers: MedGen CN230736.

Submission:

Ambry Genetics
Classification: Uncertain significance for Cardiovascular phenotype; Hereditary cancer-predisposing syndrome. Last evaluated: 2024-10-21. Review status: criteria provided, single submitter. Criteria: Ambry Variant Classification Scheme 2023. Collection method: clinical testing. Allele origin: germline.
Comment: The p.L1274I variant (also known as c.3820C>A), located in coding exon 28 of the NF1 gene, results from a C to A substitution at nucleotide position 3820. The leucine at codon 1274 is replaced by isoleucine, an amino acid with highly similar properties. This amino acid position is conserved. In addition, the in silico prediction for this alteration is inconclusive. Based on the available evidence, the clinical significance of this variant remains unclear.